The following is an entry in ClinVar:

ClinVar aggregate classification (germline): Likely benign. Review status: criteria provided, multiple submitters, no conflicts (2 of 4 stars). 3 submissions from 3 submitters: Likely benign (2). 1 of the submissions does not count toward it. Last evaluated 2026-01-16.

Conditions:
LPL-related disorder. Also called: LPL-related condition.
Cardiovascular phenotype. Identifiers: MedGen CN230736.

Allele frequency attached by ClinVar (database versions not stated): ExAC 0.00001; gnomAD exomes 0.00001; TOPMed 0.00005; gnomAD 0.00007.
gnomAD v4.1: 27 of 1,614,016 alleles (0.0017%); highest among the groups gnomAD compares: African/African-American, 0.015%; no homozygotes.

Submissions (3):

Labcorp Genetics (formerly Invitae), Labcorp
Classification: Likely benign. Last evaluated: 2026-01-16. Review status: criteria provided, single submitter. Criteria: Invitae Variant Classification Sherloc (09022015). Collection method: clinical testing. Allele origin: germline.

Ambry Genetics
Classification: Likely benign for Cardiovascular phenotype. Last evaluated: 2019-10-28. Review status: criteria provided, single submitter. Criteria: Ambry Variant Classification Scheme 2023. Collection method: clinical testing. Allele origin: germline.

PreventionGenetics, part of Exact Sciences
Classification: Likely benign for LPL-related condition. Last evaluated: 2019-04-12. Review status: no assertion criteria provided. Collection method: clinical testing. Allele origin: germline. Not counted in ClinVar's aggregate classification.
Comment: This variant is classified as likely benign based on ACMG/AMP sequence variant interpretation guidelines (Richards et al. 2015 PMID: 25741868, with internal and published modifications).

NM_000237.3(LPL):c.621C>T (p.Asp207=)

Gene: LPL (lipoprotein lipase; plus strand). Cytogenetic location: 8p21.3.
Variant type: single nucleotide variant.
Coding change: c.621C>T on transcript NM_000237.3 (MANE Select); coding-DNA position 621, C replaced by T.
Protein change: p.Asp207=; no amino-acid change (aspartic acid 207 retained).
Molecular consequence: synonymous variant.
Genome position (GRCh38, 1-based): chr8:19,954,199, C>T. VCF-style: chr8-19954199-C-T. GRCh37 (hg19) VCF-style: chr8-19811710-C-T.
Identifiers: ClinVar variation 1081588 (VCV001081588.11), dbSNP rs118204076, ClinGen allele CA4655482.